The following is an entry in ClinVar:

ClinVar aggregate classification (germline): Uncertain significance (1 of 4 stars; one submission).

Conditions:
Hemochromatosis type 4 (HFE4). Also called: Ferroportin disease; HEMOCHROMATOSIS DUE TO DEFECT IN FERROPORTIN; HEMOCHROMATOSIS, AUTOSOMAL DOMINANT. Identifiers: Orphanet 139491, Orphanet 647834, Orphanet 648562, MedGen C1853733, MONDO:0011631, OMIM 606069.

Submission:

Labcorp Genetics (formerly Invitae), Labcorp
Classification: Uncertain significance for Hemochromatosis type 4. Last evaluated: 2019-04-15. Review status: criteria provided, single submitter. Criteria: Invitae Variant Classification Sherloc (09022015). Collection method: clinical testing. Allele origin: germline.
Comment: In summary, the available evidence is currently insufficient to determine the role of this variant in disease. Therefore, it has been classified as a Variant of Uncertain Significance. Algorithms developed to predict the effect of missense changes on protein structure and function are either unavailable or do not agree on the potential impact of this missense change (SIFT: "Tolerated"; PolyPhen-2: "Benign"; Align-GVGD: "Class C0"). This variant has not been reported in the literature in individuals with SLC40A1-related conditions. This variant is not present in population databases (ExAC no frequency). This sequence change replaces threonine with isoleucine at codon 122 of the SLC40A1 protein (p.Thr122Ile). The threonine residue is weakly conserved and there is a moderate physicochemical difference between threonine and isoleucine.

NM_014585.6(SLC40A1):c.365C>T (p.Thr122Ile)

Gene: SLC40A1 (solute carrier family 40 member 1; minus strand). Cytogenetic location: 2q32.2.
Variant type: single nucleotide variant.
Coding change: c.365C>T on transcript NM_014585.6 (MANE Select); coding-DNA position 365, C replaced by T.
Protein change: p.Thr122Ile; replaces threonine 122 with isoleucine.
Molecular consequence: missense variant.
Genome position (GRCh38, 1-based): chr2:189,572,868, G>A on the plus strand (C>T on the coding strand, the complement: SLC40A1 is on the minus strand). VCF-style: chr2-189572868-G-A. GRCh37 (hg19) VCF-style: chr2-190437594-G-A.
Other names: short protein forms T122I.
Identifiers: ClinVar variation 843706 (VCV000843706.9), dbSNP rs2031175179, ClinGen allele CA349989374.